The following is an entry in ClinVar:

NM_015909.4(NBAS):c.1922A>G (p.Glu641Gly)

Gene: NBAS (NBAS subunit of NRZ tethering complex; minus strand). Cytogenetic location: 2p24.3.
Variant type: single nucleotide variant.
Coding change: c.1922A>G on transcript NM_015909.4 (MANE Select); coding-DNA position 1922, A replaced by G.
Protein change: p.Glu641Gly; replaces glutamic acid 641 with glycine.
Molecular consequence: missense variant. On other transcripts: non-coding transcript variant (1).
Genome position (GRCh38, 1-based): chr2:15,467,760, T>C on the plus strand (A>G on the coding strand, the complement: NBAS is on the minus strand). VCF-style: chr2-15467760-T-C. GRCh37 (hg19) VCF-style: chr2-15607884-T-C.
Other names: short protein forms E641G.
Identifiers: ClinVar variation 1998593 (VCV001998593.3), dbSNP rs1679785924, ClinGen allele CA345883076.

ClinVar aggregate classification (germline): Uncertain significance (1 of 4 stars; one submission).

Submission:

Labcorp Genetics (formerly Invitae), Labcorp
Classification: Uncertain significance. Last evaluated: 2022-06-01. Review status: criteria provided, single submitter. Criteria: Invitae Variant Classification Sherloc (09022015). Collection method: clinical testing. Allele origin: germline.
Comment: This sequence change replaces glutamic acid, which is acidic and polar, with glycine, which is neutral and non-polar, at codon 641 of the NBAS protein (p.Glu641Gly). In summary, the available evidence is currently insufficient to determine the role of this variant in disease. Therefore, it has been classified as a Variant of Uncertain Significance. Algorithms developed to predict the effect of missense changes on protein structure and function (SIFT, PolyPhen-2, Align-GVGD) all suggest that this variant is likely to be disruptive. This variant has not been reported in the literature in individuals affected with NBAS-related conditions. This variant is not present in population databases (gnomAD no frequency).